The following is an entry in ClinVar:

ClinVar aggregate classification (germline): Conflicting classifications of pathogenicity. Review status: criteria provided, conflicting classifications (1 of 4 stars). 17 submissions from 17 submitters: Pathogenic (1); Uncertain significance (11). 5 of the submissions do not count toward it. Last evaluated 2025-12-08.

Conditions:
MYH7-related disorder. Also called: MYH7-related disorders; MYH7-related condition; MYH7-related disease.
Cardiovascular phenotype. Identifiers: MedGen CN230736.
Cardiomyopathy (CMYO). Also called: Cardiomyopathies. Identifiers: Orphanet 167848, MedGen C0878544, MONDO:0004994, HP:0001638. Inheritance: Various modes of inheritance.
Dilated cardiomyopathy 1S (CMD1S). Identifiers: Orphanet 154, Orphanet 54260, MedGen C1834481, MONDO:0013262, OMIM 613426.
Primary dilated cardiomyopathy (DCM). Also called: Dilated Cardiomyopathy. Identifiers: Orphanet 217604, MedGen C0007193, MeSH D002311, MONDO:0005021, HP:0001644. Inheritance: Various modes of inheritance.
Hypertrophic cardiomyopathy. Also called: HYPERTROPHIC MYOCARDIOPATHY. Identifiers: Orphanet 217569, MedGen C0007194, MeSH D002312, MONDO:0005045, HP:0001639.

Allele frequency attached by ClinVar (database versions not stated): TOPMed below 0.00001; gnomAD exomes 0.00002; ExAC 0.00003.
gnomAD v4.1: 28 of 1,613,612 alleles (0.0017%); highest among the groups gnomAD compares: South Asian, 0.0044%; no homozygotes.

Submissions 1 to 11 of 17:

Labcorp Genetics (formerly Invitae), Labcorp
Classification: Pathogenic for Hypertrophic cardiomyopathy. Last evaluated: 2025-12-08. Review status: criteria provided, single submitter. Criteria: Invitae Variant Classification Sherloc (09022015). Collection method: clinical testing. Allele origin: germline.
Comment: This sequence change replaces arginine, which is basic and polar, with histidine, which is basic and polar, at codon 1359 of the MYH7 protein (p.Arg1359His). This variant is present in population databases (rs750836033, gnomAD 0.01%). This missense change has been observed in individuals with dilated cardiomyopathy or left ventricular noncompaction (PMID: 26468400, 29447731, 31983221, 34036930; internal data). ClinVar contains an entry for this variant (Variation ID: 228910). Invitae Evidence Modeling of protein sequence and biophysical properties (such as structural, functional, and spatial information, amino acid conservation, physicochemical variation, residue mobility, and thermodynamic stability) indicates that this missense variant is expected to disrupt MYH7 protein function with a positive predictive value of 95%. This variant disrupts the p.Arg1359 amino acid residue in MYH7. Other variant(s) that disrupt this residue have been determined to be pathogenic (PMID: 18506004, 19412328, 20965760, 28790153; internal data). This suggests that this residue is clinically significant, and that variants that disrupt this residue are likely to be disease-causing. For these reasons, this variant has been classified as Pathogenic.

Color Diagnostics, LLC DBA Color Health
Classification: Uncertain significance for Cardiomyopathy. Last evaluated: 2025-10-14. Review status: criteria provided, single submitter. Criteria: ACMG Guidelines, 2015. Collection method: clinical testing. Allele origin: germline.
Comment: This missense variant replaces arginine with histidine at codon 1359 of the MYH7 protein. Computational prediction suggests that this variant may have deleterious impact on protein structure and function. To our knowledge, functional studies have not been reported for this variant. This variant has been reported in five individuals affected with dilated cardiomyopathy (PMID: 26468400, 31983221, 34036930) and noncompaction cardiomyopathy (PMID: 29447731, ClinVar SCV001218377.3). This variant has also been observed in a fetus with congenital heart defects (PMID: 34983622). This variant has been identified in 28/1461274 chromosomes in the general population by the Genome Aggregation Database (gnomAD). The available evidence is insufficient to determine the role of this variant in disease conclusively. Therefore, this variant is classified as a Variant of Uncertain Significance.

Ambry Genetics
Classification: Uncertain significance for Cardiovascular phenotype. Last evaluated: 2025-04-01. Review status: criteria provided, single submitter. Criteria: Ambry Variant Classification Scheme 2023. Collection method: clinical testing. Allele origin: germline.
Comment: The p.R1359H variant (also known as c.4076G>A), located in coding exon 28 of the MYH7 gene, results from a G to A substitution at nucleotide position 4076. The arginine at codon 1359 is replaced by histidine, an amino acid with highly similar properties. This alteration has been reported in cardiomyopathy cohorts; however, clinical details were limited in some cases (Broch K et al. Open Heart, 2015 Oct;2:e000271; van Waning JI et al. J Am Coll Cardiol, 2018 Feb;71:711-722; Mazzarotto F et al. Circulation, 2020 Feb;141:387-398; Mehaney DA et al. Cardiol Young, 2022 Feb;32:295-300). Additionally, this alteration was reported in a fetal congenital heart disease cohort (Lu F et al. Orphanet J Rare Dis, 2022 Jan;17:2). This amino acid position is highly conserved in available vertebrate species. In addition, this alteration is predicted to be deleterious by in silico analysis. Since supporting evidence is limited at this time, the clinical significance of this alteration remains unclear.

Blueprint Genetics
Classification: Uncertain significance. Last evaluated: 2024-10-23. Review status: criteria provided, single submitter. Criteria: ACMG Guidelines, 2015. Collection method: clinical testing. Allele origin: germline.

Revvity Omics, Revvity
Classification: Uncertain significance. Last evaluated: 2024-10-16. Review status: criteria provided, single submitter. Criteria: ACMG Guidelines, 2015. Collection method: clinical testing. Allele origin: germline.

All of Us Research Program, National Institutes of Health
Classification: Uncertain significance for Cardiomyopathy. Last evaluated: 2023-11-30. Review status: criteria provided, single submitter. Criteria: ACMG Guidelines, 2015. Collection method: clinical testing. Allele origin: germline. Inheritance: Autosomal dominant inheritance. Observed: 4 variant alleles, 4 heterozygotes.
Comment: This missense variant replaces arginine with histidine at codon 1359 of the MYH7 protein. Computational prediction suggests that this variant may have deleterious impact on protein structure and function (internally defined REVEL score threshold >= 0.7, PMID: 27666373). To our knowledge, functional studies have not been reported for this variant. This variant has been reported in five unrelated individuals affected with dilated cardiomyopathy (PMID: 26468400, 31983221, 34036930) or noncompaction cardiomyopathy (PMID: 29447731, ClinVar SCV001218377.3). This variant has also been observed in a fetus with congenital heart defects (PMID: 34983622). This variant has been identified in 5/251432 chromosomes in the general population by the Genome Aggregation Database (gnomAD). The available evidence is insufficient to determine the role of this variant in disease conclusively. Therefore, this variant is classified as a Variant of Uncertain Significance.

This study involves interpretation of variants in research participants for the purpose of population health screening. Participant phenotype was not available at the time of variant classification. Additional details can be found in publication PMID: 35346344, PMCID: PMC8962531

AiLife Diagnostics
Classification: Uncertain significance. Last evaluated: 2021-07-20. Review status: criteria provided, single submitter. Criteria: ACMG Guidelines, 2015. Collection method: clinical testing. Allele origin: germline. Affected: yes. Observed: 1 variant allele.

Women's Health and Genetics/Laboratory Corporation of America, LabCorp
Classification: Uncertain significance. Last evaluated: 2021-07-19. Review status: criteria provided, single submitter. Criteria: LabCorp Variant Classification Summary - May 2015. Collection method: clinical testing. Allele origin: germline.
Comment: Variant summary: MYH7 c.4076G>A (p.Arg1359His) results in a non-conservative amino acid change located in the Myosin tail domain (IPR002928) of the encoded protein sequence. Five of five in-silico tools predict a damaging effect of the variant on protein function. The variant allele was found at a frequency of 2e-05 in 251432 control chromosomes (gnomAD). The available data on variant occurrences in the general population are insufficient to allow any conclusion about variant significance. c.4076G>A has been reported in the literature in at least one individual affected with noncompaction cardiomyopathy (van Waning_2018). The report does not provide unequivocal conclusions about association of the variant with Cardiomyopathy. To our knowledge, no experimental evidence demonstrating an impact on protein function has been reported. Five ClinVar submitters (evaluation after 2014) cite the variant as uncertain significance. Based on the evidence outlined above, the variant was classified as uncertain significance.

Genomic Research Center, Shahid Beheshti University of Medical Sciences
Classification: Uncertain significance for Dilated cardiomyopathy 1S. Last evaluated: 2020-05-03. Review status: criteria provided, single submitter. Criteria: ACMG Guidelines, 2015. Collection method: clinical testing. Allele origin: unknown.

CHEO Genetics Diagnostic Laboratory, Children's Hospital of Eastern Ontario
Classification: Uncertain significance for Cardiomyopathy. Last evaluated: 2020-04-16. Review status: criteria provided, single submitter. Criteria: ACMG Guidelines, 2015. Collection method: clinical testing. Allele origin: germline.

Laboratory for Molecular Medicine, Mass General Brigham Personalized Medicine
Classification: Uncertain significance. Last evaluated: 2019-08-12. Review status: criteria provided, single submitter. Criteria: LMM Criteria. Collection method: clinical testing. Allele origin: germline. Observed: 2 variant alleles.
Comment: It has been identified in 3/30616 South Asian chromosomes by gnomAD. Computational prediction tools and conservation analyses suggest that this variant may impact the protein, though this information is not predictive enough to determine pathogenicity. In summary, the clinical significance of this variant is uncertain. ACMG/AMP Criteria applied: PP3.

NM_000257.4(MYH7):c.4076G>A (p.Arg1359His)

Gene: MYH7 (myosin heavy chain 7; minus strand). Cytogenetic location: 14q11.2.
Variant type: single nucleotide variant.
Coding change: c.4076G>A on transcript NM_000257.4 (MANE Select); coding-DNA position 4076, G replaced by A.
Protein change: p.Arg1359His; replaces arginine 1359 with histidine.
Molecular consequence: missense variant.
Genome position (GRCh38, 1-based): chr14:23,418,303, C>T on the plus strand (G>A on the coding strand, the complement: MYH7 is on the minus strand). VCF-style: chr14-23418303-C-T. GRCh37 (hg19) VCF-style: chr14-23887512-C-T.
Other names: short protein forms R1359H.
Identifiers: ClinVar variation 228910 (VCV000228910.39), dbSNP rs750836033, ClinGen allele CA040309.